The following is an entry in ClinVar:

NM_001363711.2(DUOX2):c.1565C>T (p.Thr522Ile)

Gene: DUOX2 (dual oxidase 2; minus strand). Cytogenetic location: 15q21.1.
Variant type: single nucleotide variant.
Coding change: c.1565C>T on transcript NM_001363711.2 (MANE Select); coding-DNA position 1565, C replaced by T.
Protein change: p.Thr522Ile; replaces threonine 522 with isoleucine.
Molecular consequence: missense variant.
Genome position (GRCh38, 1-based): chr15:45,108,056, G>A on the plus strand (C>T on the coding strand, the complement: DUOX2 is on the minus strand). VCF-style: chr15-45108056-G-A. GRCh37 (hg19) VCF-style: chr15-45400254-G-A.
Other names: c.1565C>T, p.Thr522Ile (NM_014080.5); short protein forms T522I.
Identifiers: ClinVar variation 1505640 (VCV001505640.4), dbSNP rs748705338, ClinGen allele CA7538576.
Genomic context (GRCh38, chr15:45,108,056, plus strand): 5'-TGGGGCTCAGGCTGAGGAGCAGTCTGAGGTGGGGGCCCAGGCAAGCCTTACCCATTCCTG[G>A]TGTTCTCAAACCAGTAGCGGTCACCATCCCGCAGCCGTACAAACTGGTCGAGGACAATGG-3'
Protein context (NP_001350640.1, residues 512-532): RDGDRYWFEN[Thr522Ile]RNGLFSKKEI

ClinVar aggregate classification (germline): Uncertain significance (1 of 4 stars; one submission).

Allele frequency attached by ClinVar (database versions not stated): ExAC 0.00001; gnomAD exomes 0.00001 and 0.00002.
gnomAD v4.1: 6 of 1,613,948 alleles (0.00037%); highest among the groups gnomAD compares: Admixed American, 0.0067%; no homozygotes.

Submission:

Labcorp Genetics (formerly Invitae), Labcorp
Classification: Uncertain significance. Last evaluated: 2025-08-18. Review status: criteria provided, single submitter. Criteria: Invitae Variant Classification Sherloc (09022015). Collection method: clinical testing. Allele origin: germline.
Comment: This sequence change replaces threonine, which is neutral and polar, with isoleucine, which is neutral and non-polar, at codon 522 of the DUOX2 protein (p.Thr522Ile). This variant is present in population databases (rs748705338, gnomAD 0.009%). This variant has not been reported in the literature in individuals affected with DUOX2-related conditions. ClinVar contains an entry for this variant (Variation ID: 1505640). Invitae Evidence Modeling of protein sequence and biophysical properties (such as structural, functional, and spatial information, amino acid conservation, physicochemical variation, residue mobility, and thermodynamic stability) indicates that this missense variant is not expected to disrupt DUOX2 protein function with a negative predictive value of 80%. In summary, the available evidence is currently insufficient to determine the role of this variant in disease. Therefore, it has been classified as a Variant of Uncertain Significance.